The following is an entry in ClinVar:

NM_004990.4(MARS1):c.2422G>T (p.Asp808Tyr)

Gene: MARS1 (methionyl-tRNA synthetase 1; plus strand). Cytogenetic location: 12q13.3.
Variant type: single nucleotide variant.
Coding change: c.2422G>T on transcript NM_004990.4 (MANE Select); coding-DNA position 2422, G replaced by T.
Protein change: p.Asp808Tyr; replaces aspartic acid 808 with tyrosine.
Molecular consequence: missense variant.
Genome position (GRCh38, 1-based): chr12:57,515,950, G>T. VCF-style: chr12-57515950-G-T. GRCh37 (hg19) VCF-style: chr12-57909733-G-T.
Other names: short protein forms D808Y.
Identifiers: ClinVar variation 1988829 (VCV001988829.4), dbSNP rs920533510, ClinGen allele CA385467052.

ClinVar aggregate classification (germline): Uncertain significance (1 of 4 stars; one submission).

Conditions:
Severe early-onset pulmonary alveolar proteinosis due to MARS deficiency. Also called: PULMONARY ALVEOLAR PROTEINOSIS, REUNION ISLAND; Interstitial lung and liver disease. Identifiers: Orphanet 440427, MedGen C4225400, MONDO:0014206, OMIM 615486.
Charcot-Marie-Tooth disease axonal type 2U. Also called: CHARCOT-MARIE-TOOTH DISEASE, AXONAL, AUTOSOMAL DOMINANT, TYPE 2U; CHARCOT-MARIE-TOOTH NEUROPATHY, TYPE 2U. Identifiers: Orphanet 397735, MedGen C4084821, MONDO:0014566, OMIM 616280.

Submission:

Labcorp Genetics (formerly Invitae), Labcorp
Classification: Uncertain significance for Charcot-Marie-Tooth disease axonal type 2U; Severe early-onset pulmonary alveolar proteinosis due to MARS deficiency. Last evaluated: 2022-02-19. Review status: criteria provided, single submitter. Criteria: Invitae Variant Classification Sherloc (09022015). Collection method: clinical testing. Allele origin: germline.
Comment: In summary, the available evidence is currently insufficient to determine the role of this variant in disease. Therefore, it has been classified as a Variant of Uncertain Significance. Algorithms developed to predict the effect of missense changes on protein structure and function are either unavailable or do not agree on the potential impact of this missense change (SIFT: "Deleterious"; PolyPhen-2: "Possibly Damaging"; Align-GVGD: "Class C0"). This variant has not been reported in the literature in individuals affected with MARS-related conditions. This variant is not present in population databases (gnomAD no frequency). This sequence change replaces aspartic acid, which is acidic and polar, with tyrosine, which is neutral and polar, at codon 808 of the MARS protein (p.Asp808Tyr).